The following is an entry in ClinVar:

ClinVar aggregate classification (germline): Uncertain significance (1 of 4 stars; one submission).

Allele frequency attached by ClinVar (database versions not stated): gnomAD exomes below 0.00001; gnomAD 0.00007; TOPMed 0.00015; 1000 Genomes Project 30x 0.00016; 1000 Genomes Project 0.00020.
gnomAD v4.1: 14 of 1,550,396 alleles (0.0009%); highest among the groups gnomAD compares: Admixed American, 0.024%; no homozygotes.

Submission:

GeneDx
Classification: Uncertain significance. Last evaluated: 2023-04-13. Review status: criteria provided, single submitter. Criteria: GeneDx Variant Classification Process June 2021. Collection method: clinical testing. Allele origin: germline. Affected: yes.
Comment: Not observed at significant frequency in large population cohorts (gnomAD); In silico analysis supports that this missense variant has a deleterious effect on protein structure/function; Has not been previously published as pathogenic or benign to our knowledge

NM_001145026.2(PTPRQ):c.1613C>T (p.Pro538Leu)

Gene: PTPRQ (protein tyrosine phosphatase receptor type Q; plus strand). Cytogenetic location: 12q21.31.
Variant type: single nucleotide variant.
Coding change: c.1613C>T on transcript NM_001145026.2 (MANE Select); coding-DNA position 1613, C replaced by T.
Protein change: p.Pro538Leu; replaces proline 538 with leucine.
Molecular consequence: missense variant.
Genome position (GRCh38, 1-based): chr12:80,495,005, C>T. VCF-style: chr12-80495005-C-T. GRCh37 (hg19) VCF-style: chr12-80888784-C-T.
Other names: short protein forms P538L.
Identifiers: ClinVar variation 2662001 (VCV002662001.1), dbSNP rs190634187, ClinGen allele CA240255571.